The following is an entry in ClinVar:

ClinVar aggregate classification (germline): Likely pathogenic (1 of 4 stars; one submission).

Conditions:
Fanconi anemia (FA). Also called: Fanconi's anemia. Identifiers: Orphanet 84, MedGen C0015625, MeSH D005199, MONDO:0019391.

Submission:

Labcorp Genetics (formerly Invitae), Labcorp
Classification: Likely pathogenic for Fanconi anemia. Last evaluated: 2024-02-23. Review status: criteria provided, single submitter. Criteria: Invitae Variant Classification Sherloc (09022015). Collection method: clinical testing. Allele origin: germline.
Comment: This sequence change affects a donor splice site in intron 10 of the FANCI gene. It is expected to disrupt RNA splicing. Variants that disrupt the donor or acceptor splice site typically lead to a loss of protein function (PMID: 16199547), and loss-of-function variants in FANCI are known to be pathogenic (PMID: 17452773, 17460694). This variant is not present in population databases (gnomAD no frequency). This variant has not been reported in the literature in individuals affected with FANCI-related conditions. ClinVar contains an entry for this variant (Variation ID: 1066174). Algorithms developed to predict the effect of sequence changes on RNA splicing suggest that this variant may disrupt the consensus splice site. In summary, the currently available evidence indicates that the variant is pathogenic, but additional data are needed to prove that conclusively. Therefore, this variant has been classified as Likely Pathogenic.

Literature cited by the submitters: PubMed 16199547; PubMed 17452773; PubMed 17460694.

NM_001113378.2(FANCI):c.882+2T>A

Gene: FANCI (FA complementation group I; plus strand). Cytogenetic location: 15q26.1.
Variant type: single nucleotide variant.
Coding change: c.882+2T>A on transcript NM_001113378.2 (MANE Select); the canonical splice donor site of the intron after coding-DNA position 882, T replaced by A.
Molecular consequence: splice donor variant.
Genome position (GRCh38, 1-based): chr15:89,268,527, T>A. VCF-style: chr15-89268527-T-A. GRCh37 (hg19) VCF-style: chr15-89811758-T-A.
Other names: c.882+2T>A (NM_018193.3, NM_001376911.1); c.603+2T>A (NM_001376910.1).
Identifiers: ClinVar variation 1066174 (VCV001066174.9), dbSNP rs2053066295, ClinGen allele CA393740369.
Genomic context (GRCh38, chr15:89,268,527, plus strand): 5'-TTGTGTTTGCCATCAAATTGGACTATGAACTAGGCAGAGAACTCGTGAAACACTTAAAGG[T>A]AGCATCAAACTTGTAAGGTGATCTGGGTCTCTTTTGAATGAAAGTGTTTGAACTTAAGCC-3'